The following is an entry in ClinVar:

NM_201253.3(CRB1):c.1700G>A (p.Trp567Ter)

Gene: CRB1 (crumbs cell polarity complex component 1; plus strand). Cytogenetic location: 1q31.3.
Variant type: single nucleotide variant.
Coding change: c.1700G>A on transcript NM_201253.3 (MANE Select); coding-DNA position 1700, G replaced by A.
Protein change: p.Trp567Ter; replaces tryptophan 567 with a stop codon.
Molecular consequence: nonsense. On other transcripts: non-coding transcript variant (2).
Genome position (GRCh38, 1-based): chr1:197,421,528, G>A. VCF-style: chr1-197421528-G-A. GRCh37 (hg19) VCF-style: chr1-197390658-G-A.
Other names: c.1364G>A, p.Trp455Ter (NM_001193640.2); c.1493G>A, p.Trp498Ter (NM_001257965.2); c.1700G>A, p.Trp567Ter (NM_001257966.2); short protein forms W455*, W498*, W567*.
Identifiers: ClinVar variation 1074341 (VCV001074341.7), dbSNP rs2125470583, ClinGen allele CA344032149.

ClinVar aggregate classification (germline): Pathogenic (1 of 4 stars; one submission).

Conditions:
Retinitis pigmentosa 12 (RP12). Also called: RP WITH OR WITHOUT PPRPE; RP WITH OR WITHOUT PRESERVED PARAARTERIOLE RETINAL PIGMENT EPITHELIUM; RETINITIS PIGMENTOSA WITH OR WITHOUT PARAARTERIOLAR PRESERVATION OF RETINAL PIGMENT EPITHELIUM. Identifiers: Orphanet 791, MedGen C1838647, MONDO:0010818, OMIM 600105.
Leber congenital amaurosis 8 (LCA8). Identifiers: Orphanet 65, MedGen C3151202, MONDO:0013453, OMIM 613835.

Submission:

Labcorp Genetics (formerly Invitae), Labcorp
Classification: Pathogenic for Leber congenital amaurosis 8; Retinitis pigmentosa 12. Last evaluated: 2020-02-07. Review status: criteria provided, single submitter. Criteria: Invitae Variant Classification Sherloc (09022015). Collection method: clinical testing. Allele origin: germline.
Comment: For these reasons, this variant has been classified as Pathogenic. Loss-of-function variants in CRB1 are known to be pathogenic (PMID: 10508521, 22065545, 23379534, 25412400, 26957898, 28041643, 29391521). This variant has not been reported in the literature in individuals with CRB1-related conditions. This variant is not present in population databases (ExAC no frequency). This sequence change creates a premature translational stop signal (p.Trp567*) in the CRB1 gene. It is expected to result in an absent or disrupted protein product.

Literature cited by the submitters: PubMed 10508521; PubMed 22065545; PubMed 23379534; PubMed 25412400; PubMed 26957898; PubMed 28041643; PubMed 29391521.